The following is an entry in ClinVar:

ClinVar aggregate classification (germline): Benign/Likely benign. Review status: criteria provided, multiple submitters, no conflicts (2 of 4 stars). 3 submissions from 3 submitters: Benign (1); Likely benign (2). Last evaluated 2024-05-13.

Conditions:
Hereditary cancer-predisposing syndrome. Also called: Tumor predisposition; Hereditary Cancer Syndrome; Neoplastic Syndromes, Hereditary; Hereditary neoplastic syndrome. Identifiers: Orphanet 140162, MedGen C0027672, MeSH D009386, MONDO:0015356.
Familial cancer of breast. Also called: Hereditary breast cancer; hereditary breast carcinoma; BREAST CANCER, FAMILIAL. Identifiers: Orphanet 227535, MedGen C0346153, MONDO:0016419, OMIM 114480. Disease mechanism: loss of function.
Ataxia-telangiectasia syndrome (AT). Also called: Cerebello-oculocutaneous telangiectasia; Immunodeficiency with ataxia telangiectasia; Ataxia-telangiectasia, complementation group D; AT, COMPLEMENTATION GROUP C; Ataxia-telangiectasia, complementation group E; LOUIS-BAR SYNDROME. Identifiers: Orphanet 100, MedGen C0004135, MONDO:0008840, OMIM 208900.

Submissions (3):

Myriad Genetics, Inc.
Classification: Benign for Familial cancer of breast. Last evaluated: 2024-05-13. Review status: criteria provided, single submitter. Criteria: Myriad Autosomal Dominant, Autosomal Recessive and X-Linked Classification Criteria (2023). Collection method: clinical testing. Allele origin: unknown.
Comment: This variant is considered benign. This variant is a silent/synonymous amino acid change and it is not expected to impact splicing.

Ambry Genetics
Classification: Likely benign for Hereditary cancer-predisposing syndrome. Last evaluated: 2024-04-04. Review status: criteria provided, single submitter. Criteria: Ambry Variant Classification Scheme 2023. Collection method: clinical testing. Allele origin: germline.

Labcorp Genetics (formerly Invitae), Labcorp
Classification: Likely benign for Ataxia-telangiectasia syndrome. Last evaluated: 2021-05-03. Review status: criteria provided, single submitter. Criteria: Invitae Variant Classification Sherloc (09022015). Collection method: clinical testing. Allele origin: germline.

NM_000051.4(ATM):c.3087A>C (p.Thr1029=)

Gene: ATM (ATM serine/threonine kinase; plus strand). Cytogenetic location: 11q22.3.
Variant type: single nucleotide variant.
Coding change: c.3087A>C on transcript NM_000051.4 (MANE Select); coding-DNA position 3087, A replaced by C.
Protein change: p.Thr1029=; no amino-acid change (threonine 1029 retained).
Molecular consequence: synonymous variant.
Genome position (GRCh38, 1-based): chr11:108,272,541, A>C. VCF-style: chr11-108272541-A-C. GRCh37 (hg19) VCF-style: chr11-108143268-A-C.
Other names: c.3087A>C, p.Thr1029= (NM_001351834.2).
Identifiers: ClinVar variation 453447 (VCV000453447.13), dbSNP rs1555085787, ClinGen allele CA476744744.